The following is an entry in ClinVar:

NM_006886.4(ATP5F1E):c.59C>A (p.Ala20Glu)

Genes: ATP5F1E (ATP synthase F1 subunit epsilon; minus strand), SLMO2-ATP5E (SLMO2-ATP5E readthrough; minus strand). Cytogenetic location: 20q13.32.
Variant type: single nucleotide variant.
Coding change: c.59C>A on transcript NM_006886.4 (MANE Select); coding-DNA position 59, C replaced by A.
Protein change: p.Ala20Glu; replaces alanine 20 with glutamic acid.
Molecular consequence: missense variant. On other transcripts: non-coding transcript variant (2).
Genome position (GRCh38, 1-based): chr20:59,030,403, G>T on the plus strand (C>A on the coding strand, the complement: ATP5F1E is on the minus strand). VCF-style: chr20-59030403-G-T. GRCh37 (hg19) VCF-style: chr20-57605458-G-T.
Other names: short protein forms A20E.
Identifiers: ClinVar variation 4799088 (VCV004799088.1).
Genomic context (GRCh38, chr20:59,030,403, plus strand): 5'-CCAGAAGTCTTCTCAGCATTTGCTTTGAATTCTGTCTTCAGTGCATCTCTCACTGCTTTT[G>T]CACAGATCTGGGAGTATCGGATGTAGCTGGGAGAAAATGAGAGAAGGTATATGGTTAATT-3'
Protein context (NP_008817.1, residues 10-30): LSYIRYSQIC[Ala20Glu]KAVRDALKTE

ClinVar aggregate classification (germline): Uncertain significance (1 of 4 stars; one submission).

gnomAD v4.1: 2 of 1,613,778 alleles (0.00012%); highest among the groups gnomAD compares: Non-Finnish European, 0.00017%; no homozygotes.

Submission:

Labcorp Genetics (formerly Invitae), Labcorp
Classification: Uncertain significance. Last evaluated: 2025-10-29. Review status: criteria provided, single submitter. Criteria: Invitae Variant Classification Sherloc (09022015). Collection method: clinical testing. Allele origin: germline.
Comment: This sequence change replaces alanine, which is neutral and non-polar, with glutamic acid, which is acidic and polar, at codon 20 of the ATP5E protein (p.Ala20Glu). This variant is present in population databases (rs756069311, gnomAD 0.0009%). This variant has not been reported in the literature in individuals affected with ATP5E-related conditions. An algorithm developed to predict the effect of missense changes on protein structure and function (PolyPhen-2) suggests that this variant is likely to be disruptive. In summary, the available evidence is currently insufficient to determine the role of this variant in disease. Therefore, it has been classified as a Variant of Uncertain Significance.